The following is an entry in ClinVar:

ClinVar aggregate classification (germline): Uncertain significance. Review status: criteria provided, multiple submitters, no conflicts (2 of 4 stars). 2 submissions from 2 submitters: Uncertain significance (2). Last evaluated 2022-06-07.

Conditions:
Joubert syndrome 40. Identifiers: MedGen C5562007, MONDO:0030462, OMIM 619582.

Allele frequency attached by ClinVar (database versions not stated): TOPMed below 0.00001.
gnomAD v4.1: 11 of 1,409,676 alleles (0.00078%); highest among the groups gnomAD compares: Middle Eastern, 0.019%; no homozygotes.

Submissions (2):

Labcorp Genetics (formerly Invitae), Labcorp
Classification: Uncertain significance. Last evaluated: 2022-06-07. Review status: criteria provided, single submitter. Criteria: Invitae Variant Classification Sherloc (09022015). Collection method: clinical testing. Allele origin: germline.
Comment: This sequence change replaces alanine, which is neutral and non-polar, with valine, which is neutral and non-polar, at codon 196 of the IFT74 protein (p.Ala196Val). This variant is not present in population databases (gnomAD no frequency). This variant has not been reported in the literature in individuals affected with IFT74-related conditions. Algorithms developed to predict the effect of missense changes on protein structure and function are either unavailable or do not agree on the potential impact of this missense change (SIFT: "Deleterious"; PolyPhen-2: "Benign"; Align-GVGD: "Class C0"). In summary, the available evidence is currently insufficient to determine the role of this variant in disease. Therefore, it has been classified as a Variant of Uncertain Significance.

New York Genome Center
Classification: Uncertain significance for Joubert syndrome 40. Last evaluated: 2022-02-18. Review status: criteria provided, single submitter. Criteria: NYGC Assertion Criteria 2020. Collection method: clinical testing. Allele origin: germline. Observed: 1 heterozygote.

NM_025103.4(IFT74):c.587C>T (p.Ala196Val)

Gene: IFT74 (intraflagellar transport 74; plus strand). Cytogenetic location: 9p21.2.
Variant type: single nucleotide variant.
Coding change: c.587C>T on transcript NM_025103.4 (MANE Select); coding-DNA position 587, C replaced by T.
Protein change: p.Ala196Val; replaces alanine 196 with valine.
Molecular consequence: missense variant.
Genome position (GRCh38, 1-based): chr9:26,990,195, C>T. VCF-style: chr9-26990195-C-T. GRCh37 (hg19) VCF-style: chr9-26990193-C-T.
Other names: c.587C>T, p.Ala196Val (NM_001099222.3, NM_001099223.3, NM_001099224.3 and 1 more transcripts); c.587C>T (NM_025103.3); short protein forms A196V.
Identifiers: ClinVar variation 1928056 (VCV001928056.6), dbSNP rs995864839, ClinGen allele CA191318072.